The following is an entry in ClinVar:

NM_005733.3(KIF20A):c.255+5G>A

Gene: KIF20A (kinesin family member 20A; plus strand). Cytogenetic location: 5q31.2.
Variant type: single nucleotide variant.
Coding change: c.255+5G>A on transcript NM_005733.3 (MANE Select); 5 bases into the intron after coding-DNA position 255, G replaced by A.
Molecular consequence: intron variant.
Genome position (GRCh38, 1-based): chr5:138,181,516, G>A. VCF-style: chr5-138181516-G-A. GRCh37 (hg19) VCF-style: chr5-137517205-G-A.
Identifiers: ClinVar variation 4807567 (VCV004807567.1).

ClinVar aggregate classification (germline): Uncertain significance (1 of 4 stars; one submission).

gnomAD v4.1: 1 of 1,614,150 alleles (0.000062%); highest among the groups gnomAD compares: Non-Finnish European, 0.000085%; no homozygotes.

Submission:

Labcorp Genetics (formerly Invitae), Labcorp
Classification: Uncertain significance. Last evaluated: 2026-01-27. Review status: criteria provided, single submitter. Criteria: Invitae Variant Classification Sherloc (09022015). Collection method: clinical testing. Allele origin: germline.
Comment: This sequence change falls in intron 3 of the KIF20A gene. It does not directly change the encoded amino acid sequence of the KIF20A protein. It affects a nucleotide within the consensus splice site. This variant is not present in population databases (gnomAD no frequency). This variant has not been reported in the literature in individuals affected with KIF20A-related conditions. Variants that disrupt the consensus splice site are a relatively common cause of aberrant splicing (PMID: 17576681, 9536098). Algorithms developed to predict the effect of sequence changes on RNA splicing suggest that this variant is not likely to affect RNA splicing. In summary, the available evidence is currently insufficient to determine the role of this variant in disease. Therefore, it has been classified as a Variant of Uncertain Significance.

Literature cited by the submitters: PubMed 17576681; PubMed 9536098.